The following continues an entry in ClinVar:

NM_000059.4(BRCA2):c.5070A>C (p.Lys1690Asn)

Gene: BRCA2. ClinVar aggregate classification (germline): Benign. Benign (1).

Submissions 18 to 30 of 30:

Women's Health and Genetics/Laboratory Corporation of America, LabCorp
Classification: Benign. Last evaluated: 2016-04-07. Review status: criteria provided, single submitter. Criteria: LabCorp Variant Classification Summary - May 2015. Collection method: clinical testing. Allele origin: germline. Not counted in ClinVar's aggregate classification.
Comment: Variant Summary: The c.5070A>C variant involves a conserved nucleotide in which 4/5 in silico tools predict a damaging outcome, and has a low prevalence in European controls (EVS: 2/8576 chrs and ExAC: 25/72,294 chrs). Though the observed allele frequency in general population is not higher than the maximal expected allele frequency for a BRCA2 pathogenic variant (1/1333) the presence of this variant in controls indicates that this variant might be a rare polymorphism. More importantly, the variant has been reported to co-occur with other deleterious variants in BRCA2 and BRCA1 (4 independent individuals who carry pathogenic variants in each BRCA1 and BRCA2, reported in UMD and BIC), strong evidence that this variantis benign. In addition, it has also been classified as benign by multiple reputable databases and clinical labs, databases and publications (Easton_2007, Lindor_2012 and Whiley_2014). There are no functional studies reported for the variant to date. Multifactorial probability based model also shows the variant to be benign. Taken together, this variant has been classified as Benign.

Color Diagnostics, LLC DBA Color Health
Classification: Likely benign for Hereditary cancer-predisposing syndrome. Last evaluated: 2015-04-23. Review status: criteria provided, single submitter. Criteria: ACMG Guidelines, 2015. Collection method: clinical testing. Allele origin: germline. Not counted in ClinVar's aggregate classification.

Genomic Diagnostic Laboratory, Division of Genomic Diagnostics, Children's Hospital of Philadelphia
Classification: Uncertain significance for Hereditary Breast and Ovarian Cancer. Last evaluated: 2015-04-17. Review status: criteria provided, single submitter. Criteria: DGD Variant Analysis Guidelines. Collection method: clinical testing. Allele origin: unknown. Not counted in ClinVar's aggregate classification.

Ambry Genetics
Classification: Benign for Hereditary cancer-predisposing syndrome. Last evaluated: 2014-11-19. Review status: criteria provided, single submitter. Criteria: Ambry Variant Classification Scheme 2023. Collection method: clinical testing. Allele origin: germline. Not counted in ClinVar's aggregate classification.

Molecular Genetics Laboratory, University of Michigan
Classification: Likely benign for Breast-ovarian cancer, familial, susceptibility to, 2. Last evaluated: 2014-11-03. Review status: criteria provided, single submitter. Criteria: ACMG Guidelines, 2015. Collection method: clinical testing. Allele origin: germline. Affected: yes. Not counted in ClinVar's aggregate classification.

Integrative Tumor Epidemiology Branch, National Institutes of Health
Classification: Uncertain significance for Chordoma. Last evaluated: 2021-03-22. Review status: no assertion criteria provided. Collection method: research. Allele origin: germline. Affected: yes. Observed: 1 variant allele. Not counted in ClinVar's aggregate classification.
Comment: No impact on ES cell survival or drug sensitivity (no impact on BRCA2 function)

BRCAlab, Lund University
Classification: Benign for Breast-ovarian cancer, familial, susceptibility to, 2. Last evaluated: 2020-03-02. Review status: no assertion criteria provided. Collection method: clinical testing. Allele origin: germline. Affected: yes. Not counted in ClinVar's aggregate classification.

Mayo Clinic Laboratories, Mayo Clinic
Classification: Likely benign. Last evaluated: 2017-10-16. Review status: no assertion criteria provided. Collection method: clinical testing. Allele origin: unknown. Not counted in ClinVar's aggregate classification.

Counsyl
Classification: Likely benign for Breast-ovarian cancer, familial 2. Last evaluated: 2014-03-07. Review status: no assertion criteria provided. Collection method: literature only. Allele origin: unknown. Inheritance: Autosomal dominant inheritance. Not counted in ClinVar's aggregate classification.

Breast Cancer Information Core (BIC) (BRCA2)
Classification: Uncertain significance for Breast-ovarian cancer, familial 2. Last evaluated: 2002-05-29. Review status: no assertion criteria provided. Collection method: clinical testing. Allele origin: germline. Affected: yes. Observed: 39 variant alleles. Not counted in ClinVar's aggregate classification.

Clinical Genetics Laboratory, Department of Pathology, Netherlands Cancer Institute
Classification: Benign. Review status: no assertion criteria provided. Collection method: clinical testing. Allele origin: germline. Affected: yes. Study: VKGL Data-share Consensus. Not counted in ClinVar's aggregate classification.

Department of Pathology and Laboratory Medicine, Sinai Health System
Classification: Benign for Malignant tumor of breast. Review status: no assertion criteria provided. Collection method: clinical testing. Allele origin: unknown. Affected: yes. Observed: 9 variant alleles. Study: The Canadian Open Genetics Repository (COGR). Not counted in ClinVar's aggregate classification.
Comment: Not expected to have clinical significance. myriad calls a polymorphism (personal communication). 39X in BIC (unknown clinical importance), 12X in UMD and co-occurred with a second pathogenic variant 5X increasing the likelihood the p.Lys1690Asn variant does not have clinical significance. Lindor_2012, Posterior probability of being deleterious = 1.94x10-7 - iarc working group calls class 1 - not pathogenic. Not well conserved in mammals but in-silico software (AlignGVGD, Polyphen-2, SIFT, BLOSUM) do not agree.

Joint Genome Diagnostic Labs from Nijmegen and Maastricht, Radboudumc and MUMC+
Classification: Benign. Review status: no assertion criteria provided. Collection method: clinical testing. Allele origin: germline. Affected: yes. Study: VKGL Data-share Consensus. Not counted in ClinVar's aggregate classification.

Literature cited by the submitters: PubMed 24212087 (cited by Evidence-based Network for the Interpretation of Germline Mutant Alleles (ENIGMA)); PubMed 15172753 (cited by Women's Health and Genetics/Laboratory Corporation of America, LabCorp and Counsyl); PubMed 22811390 (cited by Women's Health and Genetics/Laboratory Corporation of America, LabCorp); PubMed 12161607 (cited by Women's Health and Genetics/Laboratory Corporation of America, LabCorp); PubMed 18256760 (cited by Women's Health and Genetics/Laboratory Corporation of America, LabCorp); PubMed 21952622 (cited by Women's Health and Genetics/Laboratory Corporation of America, LabCorp and Counsyl); PubMed 25948282 (cited by Women's Health and Genetics/Laboratory Corporation of America, LabCorp); PubMed 22476429 (cited by Women's Health and Genetics/Laboratory Corporation of America, LabCorp); PubMed 21990134 (cited by Women's Health and Genetics/Laboratory Corporation of America, LabCorp and Counsyl); PubMed 24489791 (cited by Women's Health and Genetics/Laboratory Corporation of America, LabCorp); PubMed 25682074 (cited by Women's Health and Genetics/Laboratory Corporation of America, LabCorp); PubMed 24323938 (cited by Women's Health and Genetics/Laboratory Corporation of America, LabCorp); PubMed 17924331 (cited by Women's Health and Genetics/Laboratory Corporation of America, LabCorp and Counsyl); PubMed 11304778 (cited by Women's Health and Genetics/Laboratory Corporation of America, LabCorp); PubMed 21120943 (cited by Women's Health and Genetics/Laboratory Corporation of America, LabCorp); PubMed 17997147 (cited by Women's Health and Genetics/Laboratory Corporation of America, LabCorp and Counsyl); PubMed 21702907 (cited by Women's Health and Genetics/Laboratory Corporation of America, LabCorp and Counsyl); PubMed 22366370 (cited by Women's Health and Genetics/Laboratory Corporation of America, LabCorp).